The following is an entry in ClinVar:

NC_000011.9:g.(?_108098352)_(108216655_?)dup

Gene: ATM (ATM serine/threonine kinase; plus strand). Cytogenetic location: 11q22.3.
Variant type: Duplication.
Identifiers: ClinVar variation 1469660 (VCV001469660.4).

ClinVar aggregate classification (germline): Uncertain significance (1 of 4 stars; one submission).

Conditions:
Ataxia-telangiectasia syndrome (AT). Also called: Ataxia-telangiectasia, complementation group D; AT, COMPLEMENTATION GROUP C; Cerebello-oculocutaneous telangiectasia; Immunodeficiency with ataxia telangiectasia; Ataxia-telangiectasia, complementation group E; LOUIS-BAR SYNDROME. Identifiers: Orphanet 100, MedGen C0004135, MONDO:0008840, OMIM 208900.

Submission:

Labcorp Genetics (formerly Invitae), Labcorp
Classification: Uncertain significance for Ataxia-telangiectasia syndrome. Last evaluated: 2021-04-12. Review status: criteria provided, single submitter. Criteria: Invitae Variant Classification Sherloc (09022015). Collection method: clinical testing. Allele origin: germline.
Comment: This variant results in a copy number gain of the genomic region encompassing exon(s) 2-58 of the ATM gene. This region includes the initiator codon of the gene. The 5' end of this event is unknown as it extends beyond the assayed region for this gene and therefore may encompass additional genes. The 3' boundary is likely confined to intron 58 of the ATM gene. As the precise location of this event is unknown, it may be in tandem or it may be located elsewhere in the genome. This variant has not been reported in the literature in individuals with ATM-related conditions. Experimental studies and prediction algorithms are not available or were not evaluated, and the functional significance of this variant is currently unknown. In summary, the available evidence is currently insufficient to determine the role of this variant in disease. Therefore, it has been classified as a Variant of Uncertain Significance.